The following is an entry in ClinVar:

ClinVar aggregate classification (germline): Pathogenic. Review status: criteria provided, multiple submitters, no conflicts (2 of 4 stars). 3 submissions from 3 submitters: Pathogenic (3). Last evaluated 2024-11-07.

Conditions:
Nephronophthisis. Also called: Juvenile Nephronophthisis. Identifiers: Orphanet 655, MedGen C0687120, MONDO:0019005, HP:0000090.
Nephronophthisis 4 (NPHP4). Also called: NEPHRONOPHTHISIS 4, JUVENILE. Identifiers: Orphanet 655, MedGen C1847013, MONDO:0011752, OMIM 606966.
Senior-Loken syndrome 4 (SLSN4). Identifiers: Orphanet 3156, MedGen C1846979, MONDO:0011756, OMIM 606996.

Submissions (3):

GeneDx
Classification: Pathogenic. Last evaluated: 2024-11-07. Review status: criteria provided, single submitter. Criteria: GeneDx Variant Classification Process June 2021. Collection method: clinical testing. Allele origin: germline. Affected: yes.
Comment: Frameshift variant predicted to result in protein truncation or nonsense mediated decay in a gene for which loss of function is a known mechanism of disease; This variant is associated with the following publications: (PMID: 36090483, 31980526, 31964843, 23559409)

Fulgent Genetics
Classification: Pathogenic for Nephronophthisis 4; Senior-Loken syndrome 4. Last evaluated: 2022-04-30. Review status: criteria provided, single submitter. Criteria: ACMG Guidelines, 2015. Collection method: clinical testing. Allele origin: unknown.

Labcorp Genetics (formerly Invitae), Labcorp
Classification: Pathogenic for Nephronophthisis. Last evaluated: 2021-07-26. Review status: criteria provided, single submitter. Criteria: Invitae Variant Classification Sherloc (09022015). Collection method: clinical testing. Allele origin: germline.
Comment: This sequence change creates a premature translational stop signal (p.Val1258Glyfs*3) in the NPHP4 gene. It is expected to result in an absent or disrupted protein product. Loss-of-function variants in NPHP4 are known to be pathogenic (PMID: 12205563, 23559409). This variant is present in population databases (rs776535691, ExAC 0.01%). This premature translational stop signal has been observed in individual(s) with nephronophthisis-related ciliopathy (PMID: 23559409). For these reasons, this variant has been classified as Pathogenic.

Literature cited by the submitters: PubMed 12205563 (cited by Labcorp Genetics (formerly Invitae), Labcorp); PubMed 23559409 (cited by Labcorp Genetics (formerly Invitae), Labcorp).

NM_015102.5(NPHP4):c.3773_3776del (p.Val1258fs)

Gene: NPHP4 (nephrocystin 4; minus strand). Cytogenetic location: 1p36.31.
Variant type: Deletion.
Coding change: c.3773_3776del on transcript NM_015102.5 (MANE Select); coding-DNA positions 3773 to 3776, 4 bases deleted (TGAG; older notation c.3773_3776delTGAG).
Protein change: p.Val1258fs; shifts the reading frame from valine 1258.
Molecular consequence: frameshift variant. On other transcripts: non-coding transcript variant (1).
Genome position (GRCh38, 1-based): chr1:5,865,142-5,865,145, CTCA deleted on the plus strand (TGAG on the coding strand, the reverse complement: NPHP4 is on the minus strand); deleting any 4 consecutive bases within chr1:5,865,142-5,865,147 gives the same sequence; the c. name uses the placement nearest the transcript's 3' end. VCF-style (leftmost placement, unchanged base first): chr1-5865141-CCTCA-C. GRCh37 (hg19) VCF-style: chr1-5925201-CCTCA-C.
Other names: c.3773_3776del (NM_015102.3); c.2234_2237del, p.Val745fs (NM_001291593.2); c.2237_2240del, p.Val746fs (NM_001291594.2); short protein forms V745fs, V746fs, V1258fs.
Identifiers: ClinVar variation 1387867 (VCV001387867.8), dbSNP rs776535691, ClinGen allele CA553473.